The following is an entry in ClinVar:

ClinVar aggregate classification (germline): Uncertain significance (1 of 4 stars; one submission).

Conditions:
Coffin-Siris syndrome 10. Also called: INTELLECTUAL DEVELOPMENTAL DISORDER WITH SPEECH DELAY AND DYSMORPHIC FACIES. Identifiers: MedGen C4760583, MONDO:0032791, OMIM 618506.

Submission:

3billion
Classification: Uncertain significance for Coffin-Siris syndrome 10. Last evaluated: 2025-10-23. Review status: criteria provided, single submitter. Criteria: ACMG Guidelines, 2015. Collection method: clinical testing. Allele origin: germline. Affected: yes.
Comment: The variant is not observed in the gnomAD v4.1.0 dataset. Predicted Consequence/Location: Missense variant In silico tool predictions suggest damaging effect of the variant on gene or gene product [REVEL: 0.95 (>=0.6, sensitivity 0.68 and specificity 0.92)]. Therefore, this variant is classified as VUS according to the recommendation of ACMG/AMP guideline.

NM_003107.3(SOX4):c.377A>G (p.Tyr126Cys)

Gene: SOX4 (SRY-box transcription factor 4; plus strand). Cytogenetic location: 6p22.3.
Variant type: single nucleotide variant.
Coding change: c.377A>G on transcript NM_003107.3 (MANE Select); coding-DNA position 377, A replaced by G.
Protein change: p.Tyr126Cys; replaces tyrosine 126 with cysteine.
Molecular consequence: missense variant.
Genome position (GRCh38, 1-based): chr6:21,594,911, A>G. VCF-style: chr6-21594911-A-G. GRCh37 (hg19) VCF-style: chr6-21595142-A-G.
Other names: short protein forms Y126C.
Identifiers: ClinVar variation 4855398 (VCV004855398.1).